The following is an entry in ClinVar:

ClinVar aggregate classification (germline): Uncertain significance. Review status: criteria provided, single submitter (1 of 4 stars). 2 submissions from 2 submitters: Uncertain significance (1). 1 of the submissions does not count toward it. Last evaluated 2022-08-16.

Conditions:
CFTR-related disorder (CFTR-RD). Also called: CFTR-related disorders; CFTR-related condition. Identifiers: MedGen C5924204, MONDO:7770004.
Cystic fibrosis (CF). Also called: MUCOVISCIDOSIS. Identifiers: Orphanet 586, MedGen C0010674, MONDO:0009061, OMIM 219700. Disease mechanism: loss of function.

Submissions (2):

Labcorp Genetics (formerly Invitae), Labcorp
Classification: Uncertain significance for Cystic fibrosis. Last evaluated: 2022-08-16. Review status: criteria provided, single submitter. Criteria: Invitae Variant Classification Sherloc (09022015). Collection method: clinical testing. Allele origin: germline.
Comment: In summary, the available evidence is currently insufficient to determine the role of this variant in disease. Therefore, it has been classified as a Variant of Uncertain Significance. This variant has not been reported in the literature in individuals affected with CFTR-related conditions. This variant is not present in population databases (gnomAD no frequency). This sequence change replaces threonine, which is neutral and polar, with alanine, which is neutral and non-polar, at codon 351 of the CFTR protein (p.Thr351Ala). ClinVar contains an entry for this variant (Variation ID: 1009171). Algorithms developed to predict the effect of missense changes on protein structure and function (SIFT, PolyPhen-2, Align-GVGD) all suggest that this variant is likely to be tolerated.

Natera, Inc.
Classification: Uncertain significance for CFTR-related disorders. Last evaluated: 2018-05-26. Review status: no assertion criteria provided. Collection method: clinical testing. Allele origin: germline. Not counted in ClinVar's aggregate classification.

NM_000492.4(CFTR):c.1051A>G (p.Thr351Ala)

Gene: CFTR (CF transmembrane conductance regulator; plus strand). Cytogenetic location: 7q31.2.
Variant type: single nucleotide variant.
Coding change: c.1051A>G on transcript NM_000492.4 (MANE Select); coding-DNA position 1051, A replaced by G.
Protein change: p.Thr351Ala; replaces threonine 351 with alanine.
Molecular consequence: missense variant.
Genome position (GRCh38, 1-based): chr7:117,540,281, A>G. VCF-style: chr7-117540281-A-G. GRCh37 (hg19) VCF-style: chr7-117180335-A-G.
Other names: short protein forms T351A.
Identifiers: ClinVar variation 1009171 (VCV001009171.9), dbSNP rs1799031080, ClinGen allele CA368978902.